The following is an entry in ClinVar:

NC_000001.10:g.(?_180853122)_(180853202_?)dup

Gene: XPR1 (xenotropic and polytropic retrovirus receptor 1; plus strand). Cytogenetic location: 1q25.3.
Variant type: Duplication.
Identifiers: ClinVar variation 1440319 (VCV001440319.4).

ClinVar aggregate classification (germline): Uncertain significance (1 of 4 stars; one submission).

Submission:

Labcorp Genetics (formerly Invitae), Labcorp
Classification: Uncertain significance. Last evaluated: 2021-04-23. Review status: criteria provided, single submitter. Criteria: Invitae Variant Classification Sherloc (09022015). Collection method: clinical testing. Allele origin: germline.
Comment: In summary, the available evidence is currently insufficient to determine the role of this variant in disease. Therefore, it has been classified as a Variant of Uncertain Significance. This variant has not been reported in the literature in individuals with XPR1-related conditions. This variant results in a copy number gain of the genomic region encompassing exon(s) 15 of the XPR1 gene. The 5' boundary is likely confined to intron 14. The 3' end of this event is unknown as it extends beyond the assayed region for this gene and therefore may encompass additional genes. As the precise location of this event is unknown, it may be in tandem or it may be located elsewhere in the genome.